The following is an entry in ClinVar:

NM_001282933.2(ZNF341):c.1571C>A (p.Ser524Tyr)

Gene: ZNF341 (zinc finger protein 341; plus strand). Cytogenetic location: 20q11.22.
Variant type: single nucleotide variant.
Coding change: c.1571C>A on transcript NM_001282933.2 (MANE Select); coding-DNA position 1571, C replaced by A.
Protein change: p.Ser524Tyr; replaces serine 524 with tyrosine.
Molecular consequence: missense variant. On other transcripts: non-coding transcript variant (1).
Genome position (GRCh38, 1-based): chr20:33,770,241, C>A. VCF-style: chr20-33770241-C-A. GRCh37 (hg19) VCF-style: chr20-32358047-C-A.
Other names: c.1301C>A, p.Ser434Tyr (NM_001282935.2); c.1550C>A, p.Ser517Tyr (NM_032819.5); short protein forms S434Y, S517Y, S524Y.
Identifiers: ClinVar variation 1005631 (VCV001005631.8), dbSNP rs2019500822, ClinGen allele CA408658492.

ClinVar aggregate classification (germline): Uncertain significance (1 of 4 stars; one submission).

Submission:

Labcorp Genetics (formerly Invitae), Labcorp
Classification: Uncertain significance. Last evaluated: 2020-10-19. Review status: criteria provided, single submitter. Criteria: Invitae Variant Classification Sherloc (09022015). Collection method: clinical testing. Allele origin: germline.
Comment: This sequence change replaces serine with tyrosine at codon 517 of the ZNF341 protein (p.Ser517Tyr). The serine residue is highly conserved and there is a large physicochemical difference between serine and tyrosine. This variant is not present in population databases (ExAC no frequency). In summary, the available evidence is currently insufficient to determine the role of this variant in disease. Therefore, it has been classified as a Variant of Uncertain Significance. Algorithms developed to predict the effect of missense changes on protein structure and function are either unavailable or do not agree on the potential impact of this missense change (SIFT: "Deleterious"; PolyPhen-2: "Probably Damaging"; Align-GVGD: "Class C0"). This variant has not been reported in the literature in individuals with ZNF341-related conditions.